The following is an entry in ClinVar:

ClinVar aggregate classification (germline): Uncertain significance. Review status: criteria provided, multiple submitters, no conflicts (2 of 4 stars). 2 submissions from 2 submitters: Uncertain significance (2). Last evaluated 2025-05-13.

Allele frequency attached by ClinVar (database versions not stated): gnomAD exomes below 0.00001.
gnomAD v4.1: 2 of 1,614,160 alleles (0.00012%); highest among the groups gnomAD compares: African/African-American, 0.0013%; no homozygotes.

Submissions (2):

Labcorp Genetics (formerly Invitae), Labcorp
Classification: Uncertain significance. Last evaluated: 2025-05-13. Review status: criteria provided, single submitter. Criteria: Invitae Variant Classification Sherloc (09022015). Collection method: clinical testing. Allele origin: germline.
Comment: This sequence change replaces proline, which is neutral and non-polar, with serine, which is neutral and polar, at codon 526 of the GALNT12 protein (p.Pro526Ser). This variant is not present in population databases (gnomAD no frequency). This variant has not been reported in the literature in individuals affected with GALNT12-related conditions. ClinVar contains an entry for this variant (Variation ID: 1775598). An algorithm developed to predict the effect of missense changes on protein structure and function (PolyPhen-2) suggests that this variant is likely to be tolerated. In summary, the available evidence is currently insufficient to determine the role of this variant in disease. Therefore, it has been classified as a Variant of Uncertain Significance.

Ambry Genetics
Classification: Uncertain significance. Last evaluated: 2024-11-24. Review status: criteria provided, single submitter. Criteria: Ambry Variant Classification Scheme 2023. Collection method: clinical testing. Allele origin: germline.
Comment: The p.P526S variant (also known as c.1576C>T), located in coding exon 9 of the GALNT12 gene, results from a C to T substitution at nucleotide position 1576. The proline at codon 526 is replaced by serine, an amino acid with similar properties. This amino acid position is conserved. In addition, this alteration is predicted to be tolerated by in silico analysis. Since supporting evidence is limited at this time, the clinical significance of this alteration remains unclear.

NM_024642.5(GALNT12):c.1576C>T (p.Pro526Ser)

Gene: GALNT12 (polypeptide N-acetylgalactosaminyltransferase 12; plus strand). Cytogenetic location: 9q22.33.
Variant type: single nucleotide variant.
Coding change: c.1576C>T on transcript NM_024642.5 (MANE Select); coding-DNA position 1576, C replaced by T.
Protein change: p.Pro526Ser; replaces proline 526 with serine.
Molecular consequence: missense variant.
Genome position (GRCh38, 1-based): chr9:98,846,094, C>T. VCF-style: chr9-98846094-C-T. GRCh37 (hg19) VCF-style: chr9-101608376-C-T.
Other names: short protein forms P526S.
Identifiers: ClinVar variation 1775598 (VCV001775598.4), dbSNP rs1836408150, ClinGen allele CA374221846.